The following is an entry in ClinVar:

ClinVar aggregate classification (germline): Uncertain significance (1 of 4 stars; one submission).

gnomAD v4.1: 1 of 1,308,460 alleles (0.000076%); highest among the groups gnomAD compares: Non-Finnish European, 0.000098%; no homozygotes.

Submission:

Ambry Genetics
Classification: Uncertain significance. Last evaluated: 2025-06-08. Review status: criteria provided, single submitter. Criteria: Ambry Variant Classification Scheme 2023. Collection method: clinical testing. Allele origin: germline.
Comment: The p.P68A variant (also known as c.202C>G), located in coding exon 1 of the WNK2 gene, results from a C to G substitution at nucleotide position 202. The proline at codon 68 is replaced by alanine, an amino acid with highly similar properties. This amino acid position is conserved. In addition, this alteration is predicted to be tolerated by in silico analysis. Based on the available evidence, the clinical significance of this variant remains unclear.

NM_006648.4(WNK2):c.202C>G (p.Pro68Ala)

Gene: WNK2 (WNK lysine deficient protein kinase 2; plus strand). Cytogenetic location: 9q22.31.
Variant type: single nucleotide variant.
Coding change: c.202C>G on transcript NM_006648.4 (MANE Select); coding-DNA position 202, C replaced by G.
Protein change: p.Pro68Ala; replaces proline 68 with alanine.
Molecular consequence: missense variant.
Genome position (GRCh38, 1-based): chr9:93,185,131, C>G. VCF-style: chr9-93185131-C-G. GRCh37 (hg19) VCF-style: chr9-95947413-C-G.
Other names: c.202C>G, p.Pro68Ala (NM_001282394.3); short protein forms P68A.
Identifiers: ClinVar variation 3982194 (VCV003982194.1).